The following is an entry in ClinVar:

ClinVar aggregate classification (germline): Conflicting classifications of pathogenicity. Review status: criteria provided, conflicting classifications (1 of 4 stars). 2 submissions from 2 submitters: Uncertain significance (1); Likely benign (1). Last evaluated 2026-04-01.

Conditions:
Hereditary cancer-predisposing syndrome. Also called: Neoplastic Syndromes, Hereditary; Tumor predisposition; Hereditary Cancer Syndrome; Hereditary neoplastic syndrome. Identifiers: Orphanet 140162, MedGen C0027672, MeSH D009386, MONDO:0015356.

Submissions (2):

CeGaT Center for Human Genetics Tuebingen
Classification: Uncertain significance. Last evaluated: 2026-04-01. Review status: criteria provided, single submitter. Criteria: CeGaT Center For Human Genetics Tuebingen Variant Classification Criteria Version 2. Collection method: clinical testing. Allele origin: germline. Affected: yes. Observed: 1 variant allele.
Comment: RAD51C: PM2, BP4

Ambry Genetics
Classification: Likely benign for Hereditary cancer-predisposing syndrome. Last evaluated: 2024-02-26. Review status: criteria provided, single submitter. Criteria: Ambry Variant Classification Scheme 2023. Collection method: clinical testing. Allele origin: germline.

NM_058216.3(RAD51C):c.274G>C (p.Glu92Gln)

Gene: RAD51C (RAD51 paralog C; plus strand). Cytogenetic location: 17q22.
Variant type: single nucleotide variant.
Coding change: c.274G>C on transcript NM_058216.3 (MANE Select); coding-DNA position 274, G replaced by C.
Protein change: p.Glu92Gln; replaces glutamic acid 92 with glutamine.
Molecular consequence: missense variant. On other transcripts: non-coding transcript variant (2).
Genome position (GRCh38, 1-based): chr17:58,695,059, G>C. VCF-style: chr17-58695059-G-C. GRCh37 (hg19) VCF-style: chr17-56772420-G-C.
Other names: c.274G>C, p.Glu92Gln (NM_002876.4, NM_058217.1); short protein forms E92Q.
Identifiers: ClinVar variation 3228951 (VCV003228951.3), dbSNP rs765304898, ClinGen allele CA400340733.